The following is an entry in ClinVar:

ClinVar aggregate classification (germline): Uncertain significance (1 of 4 stars; one submission).

gnomAD v4.1: 1 of 1,612,442 alleles (0.000062%); highest among the groups gnomAD compares: Admixed American, 0.0017%; no homozygotes.

Submission:

Labcorp Genetics (formerly Invitae), Labcorp
Classification: Uncertain significance. Last evaluated: 2020-03-19. Review status: criteria provided, single submitter. Criteria: Invitae Variant Classification Sherloc (09022015). Collection method: clinical testing. Allele origin: germline.
Comment: In summary, the available evidence is currently insufficient to determine the role of this variant in disease. Therefore, it has been classified as a Variant of Uncertain Significance. Algorithms developed to predict the effect of missense changes on protein structure and function output the following: SIFT: "Tolerated"; PolyPhen-2: "Benign"; Align-GVGD: "Class C0". The valine amino acid residue is found in multiple mammalian species, suggesting that this missense change does not adversely affect protein function. These predictions have not been confirmed by published functional studies and their clinical significance is uncertain. This variant has not been reported in the literature in individuals with ADGRV1-related conditions. This variant is not present in population databases (ExAC no frequency). This sequence change replaces isoleucine with valine at codon 889 of the ADGRV1 protein (p.Ile889Val). The isoleucine residue is moderately conserved and there is a small physicochemical difference between isoleucine and valine.

NM_032119.4(ADGRV1):c.2665A>G (p.Ile889Val)

Gene: ADGRV1 (adhesion G protein-coupled receptor V1; plus strand). Cytogenetic location: 5q14.3.
Variant type: single nucleotide variant.
Coding change: c.2665A>G on transcript NM_032119.4 (MANE Select); coding-DNA position 2665, A replaced by G.
Protein change: p.Ile889Val; replaces isoleucine 889 with valine.
Molecular consequence: missense variant. On other transcripts: non-coding transcript variant (1).
Genome position (GRCh38, 1-based): chr5:90,643,914, A>G. VCF-style: chr5-90643914-A-G. GRCh37 (hg19) VCF-style: chr5-89939731-A-G.
Other names: short protein forms I889V.
Identifiers: ClinVar variation 1011149 (VCV001011149.8), dbSNP rs756026622, ClinGen allele CA360390125.